The following is an entry in ClinVar:

NM_001378452.1(ITPR1):c.5902A>G (p.Ser1968Gly)

Gene: ITPR1 (inositol 1,4,5-trisphosphate receptor type 1; plus strand). Cytogenetic location: 3p26.1.
Variant type: single nucleotide variant.
Coding change: c.5902A>G on transcript NM_001378452.1 (MANE Select); coding-DNA position 5902, A replaced by G.
Protein change: p.Ser1968Gly; replaces serine 1968 with glycine.
Molecular consequence: missense variant.
Genome position (GRCh38, 1-based): chr3:4,768,687, A>G. VCF-style: chr3-4768687-A-G. GRCh37 (hg19) VCF-style: chr3-4810371-A-G.
Other names: c.5758A>G, p.Ser1920Gly (NM_001099952.4); c.5857A>G, p.Ser1953Gly (NM_001168272.2); c.5713A>G, p.Ser1905Gly (NM_002222.7); short protein forms S1905G, S1920G, S1953G, S1968G.
Identifiers: ClinVar variation 5041710 (VCV005041710.1).

ClinVar aggregate classification (germline): Uncertain significance (1 of 4 stars; one submission).

Submission:

CeGaT Center for Human Genetics Tuebingen
Classification: Uncertain significance. Last evaluated: 2026-09-01. Review status: criteria provided, single submitter. Criteria: CeGaT Center For Human Genetics Tuebingen Variant Classification Criteria Version 2. Collection method: clinical testing. Allele origin: germline. Affected: yes. Observed: 1 variant allele.
Comment: ITPR1: PM2